The following is an entry in ClinVar:

NM_000026.4(ADSL):c.1140G>A (p.Met380Ile)

Gene: ADSL (adenylosuccinate lyase; plus strand). Cytogenetic location: 22q13.1.
Variant type: single nucleotide variant.
Coding change: c.1140G>A on transcript NM_000026.4 (MANE Select); coding-DNA position 1140, G replaced by A.
Protein change: p.Met380Ile; replaces methionine 380 with isoleucine.
Molecular consequence: missense variant. On other transcripts: non-coding transcript variant (1).
Genome position (GRCh38, 1-based): chr22:40,364,314, G>A. VCF-style: chr22-40364314-G-A. GRCh37 (hg19) VCF-style: chr22-40760318-G-A.
Other names: c.1140G>A, p.Met380Ile (NM_001123378.3, NM_001363840.3, NM_001410812.1 and 1 more transcripts); c.948G>A, p.Met316Ile (NM_001317923.2); c.1095G>A, p.Met365Ile (NM_001410814.1); short protein forms M316I, M380I, M365I.
Identifiers: ClinVar variation 4246197 (VCV004246197.3).

ClinVar aggregate classification (germline): Uncertain significance. Review status: criteria provided, multiple submitters, no conflicts (2 of 4 stars). 2 submissions from 2 submitters: Uncertain significance (2). Last evaluated 2025-08-31.

Conditions:
Adenylosuccinate lyase deficiency (ADSLD). Also called: ADSL DEFICIENCY. Identifiers: Orphanet 46, MedGen C0268126, MONDO:0007068, OMIM 103050.
Inborn genetic diseases. Identifiers: MedGen C0950123, MeSH D030342.

gnomAD v4.1: 9 of 1,613,922 alleles (0.00056%); highest among the groups gnomAD compares: Non-Finnish European, 0.00076%; no homozygotes.

Submissions (2):

Ambry Genetics
Classification: Uncertain significance for Inborn genetic diseases. Last evaluated: 2025-08-31. Review status: criteria provided, single submitter. Criteria: Ambry Variant Classification Scheme 2023. Collection method: clinical testing. Allele origin: germline.

Juno Genomics, Hangzhou Juno Genomics, Inc
Classification: Uncertain significance for Adenylosuccinate lyase deficiency. Review status: criteria provided, single submitter. Criteria: ACMG Guidelines, 2015. Collection method: clinical testing. Allele origin: germline.
Comment: Absent from controls (or at extremely low frequency if recessive) in Genome Aggregation Database.;Multiple lines of computational evidence support a deleterious effect on the gene or gene product.